The following is an entry in ClinVar:

NM_001807.6(CEL):c.355C>A (p.Pro119Thr)

Gene: CEL (carboxyl ester lipase; plus strand). Cytogenetic location: 9q34.13.
Variant type: single nucleotide variant.
Coding change: c.355C>A on transcript NM_001807.6 (MANE Select); coding-DNA position 355, C replaced by A.
Protein change: p.Pro119Thr; replaces proline 119 with threonine.
Molecular consequence: missense variant.
Genome position (GRCh38, 1-based): chr9:133,065,054, C>A. VCF-style: chr9-133065054-C-A. GRCh37 (hg19) VCF-style: chr9-135940441-C-A.
Other names: short protein forms P119T.
Identifiers: ClinVar variation 4057072 (VCV004057072.1).

ClinVar aggregate classification (germline): Uncertain significance (1 of 4 stars; one submission).

Submission:

GeneDx
Classification: Uncertain significance. Last evaluated: 2025-01-13. Review status: criteria provided, single submitter. Criteria: GeneDx Variant Classification Process June 2021. Collection method: clinical testing. Allele origin: germline. Affected: yes.
Comment: Not observed at significant frequency in large population cohorts (gnomAD); In silico analysis supports that this missense variant has a deleterious effect on protein structure/function; Has not been previously published as pathogenic or benign to our knowledge